The following is an entry in ClinVar:

ClinVar aggregate classification (germline): Uncertain significance (1 of 4 stars; one submission).

Conditions:
Multiple endocrine neoplasia, type 1 (MEN1). Also called: Endocrine adenomatosis multiple; MEN 1; MEN I; WERMER SYNDROME; MEA I. Identifiers: Orphanet 652, MedGen C0025267, MeSH D018761, MONDO:0007540, OMIM 131100.

Allele frequency attached by ClinVar (database versions not stated): gnomAD exomes 0.00001.

Submission:

Labcorp Genetics (formerly Invitae), Labcorp
Classification: Uncertain significance for Multiple endocrine neoplasia, type 1. Last evaluated: 2024-04-15. Review status: criteria provided, single submitter. Criteria: Invitae Variant Classification Sherloc (09022015). Collection method: clinical testing. Allele origin: germline.
Comment: This sequence change replaces arginine, which is basic and polar, with cysteine, which is neutral and slightly polar, at codon 607 of the MEN1 protein (p.Arg607Cys). This variant is not present in population databases (gnomAD no frequency). This variant has not been reported in the literature in individuals affected with MEN1-related conditions. ClinVar contains an entry for this variant (Variation ID: 1008780). Advanced modeling of protein sequence and biophysical properties (such as structural, functional, and spatial information, amino acid conservation, physicochemical variation, residue mobility, and thermodynamic stability) performed at Invitae indicates that this missense variant is expected to disrupt MEN1 protein function with a positive predictive value of 95%. In summary, the available evidence is currently insufficient to determine the role of this variant in disease. Therefore, it has been classified as a Variant of Uncertain Significance.

NM_001370259.2(MEN1):c.1819C>T (p.Arg607Cys)

Gene: MEN1 (menin 1; minus strand). Cytogenetic location: 11q13.1.
Variant type: single nucleotide variant.
Coding change: c.1819C>T on transcript NM_001370259.2 (MANE Select); coding-DNA position 1819, C replaced by T.
Protein change: p.Arg607Cys; replaces arginine 607 with cysteine.
Molecular consequence: missense variant.
Genome position (GRCh38, 1-based): chr11:64,804,348, G>A on the plus strand (C>T on the coding strand, the complement: MEN1 is on the minus strand). VCF-style: chr11-64804348-G-A. GRCh37 (hg19) VCF-style: chr11-64571820-G-A.
Other names: c.1834C>T, p.Arg612Cys (NM_000244.4, NM_130800.3, NM_130801.3 and 3 more transcripts); c.1945C>T, p.Arg649Cys (NM_001370251.2); c.1819C>T, p.Arg607Cys (NM_001370260.2, NM_001370261.2, NM_130799.3); c.1714C>T, p.Arg572Cys (NM_001370262.2, NM_001370263.2); short protein forms R572C, R607C, R612C, R649C.
Identifiers: ClinVar variation 1008780 (VCV001008780.7), dbSNP rs770686655, ClinGen allele CA223911679.